The following is an entry in ClinVar:

NM_014915.3(ANKRD26):c.442A>G (p.Thr148Ala)

Gene: ANKRD26 (ankyrin repeat domain containing 26; minus strand). Cytogenetic location: 10p12.1.
Variant type: single nucleotide variant.
Coding change: c.442A>G on transcript NM_014915.3 (MANE Select); coding-DNA position 442, A replaced by G.
Protein change: p.Thr148Ala; replaces threonine 148 with alanine.
Molecular consequence: missense variant.
Genome position (GRCh38, 1-based): chr10:27,093,438, T>C on the plus strand (A>G on the coding strand, the complement: ANKRD26 is on the minus strand). VCF-style: chr10-27093438-T-C. GRCh37 (hg19) VCF-style: chr10-27382367-T-C.
Other names: c.442A>G, p.Thr148Ala (NM_001256053.2); short protein forms T148A.
Identifiers: ClinVar variation 3914353 (VCV003914353.1).

ClinVar aggregate classification (germline): Uncertain significance (1 of 4 stars; one submission).

Conditions:
Inborn genetic diseases. Identifiers: MedGen C0950123, MeSH D030342.

Submission:

Ambry Genetics
Classification: Uncertain significance for Inborn genetic diseases. Last evaluated: 2025-05-10. Review status: criteria provided, single submitter. Criteria: Ambry Variant Classification Scheme 2023. Collection method: clinical testing. Allele origin: germline.
Comment: The p.T148A variant (also known as c.442A>G), located in coding exon 3 of the ANKRD26 gene, results from an A to G substitution at nucleotide position 442. The threonine at codon 148 is replaced by alanine, an amino acid with similar properties. This amino acid position is conserved. In addition, the in silico prediction for this alteration is inconclusive. Based on the available evidence, the clinical significance of this variant remains unclear.